The following is an entry in ClinVar:

NM_001614.5(ACTG1):c.826G>A (p.Glu276Lys)

Gene: ACTG1 (actin gamma 1; minus strand). Cytogenetic location: 17q25.3.
Variant type: single nucleotide variant.
Coding change: c.826G>A on transcript NM_001614.5 (MANE Select); coding-DNA position 826, G replaced by A.
Protein change: p.Glu276Lys; replaces glutamic acid 276 with lysine.
Molecular consequence: missense variant. On other transcripts: non-coding transcript variant (1).
Genome position (GRCh38, 1-based): chr17:81,511,085, C>T on the plus strand (G>A on the coding strand, the complement: ACTG1 is on the minus strand). VCF-style: chr17-81511085-C-T. GRCh37 (hg19) VCF-style: chr17-79478111-C-T.
Other names: c.826G>A, p.Glu276Lys (NM_001199954.3); short protein forms E276K.
Identifiers: ClinVar variation 1174527 (VCV001174527.3), dbSNP rs2143775790, ClinGen allele CA401459436.

ClinVar aggregate classification (germline): Conflicting classifications of pathogenicity. Review status: criteria provided, conflicting classifications (1 of 4 stars). 2 submissions from 2 submitters: Likely pathogenic (1); Uncertain significance (1). Last evaluated 2025-11-18.

Conditions:
Autosomal dominant nonsyndromic hearing loss 20. Identifiers: Orphanet 90635, MedGen C1858172, MONDO:0011480, OMIM 604717.
Baraitser-winter syndrome 2. Identifiers: Orphanet 2995, MedGen C3281235, MONDO:0013812, OMIM 614583.

Submissions (2):

Labcorp Genetics (formerly Invitae), Labcorp
Classification: Uncertain significance for Baraitser-winter syndrome 2; Autosomal dominant nonsyndromic hearing loss 20. Last evaluated: 2025-11-18. Review status: criteria provided, single submitter. Criteria: Invitae Variant Classification Sherloc (09022015). Collection method: clinical testing. Allele origin: germline.
Comment: This sequence change replaces glutamic acid, which is acidic and polar, with lysine, which is basic and polar, at codon 276 of the ACTG1 protein (p.Glu276Lys). This variant is not present in population databases (gnomAD no frequency). This missense change has been observed in individual(s) with deafness (PMID: 34440452). In at least one individual the variant was observed to be de novo. ClinVar contains an entry for this variant (Variation ID: 1174527). Invitae Evidence Modeling of protein sequence and biophysical properties (such as structural, functional, and spatial information, amino acid conservation, physicochemical variation, residue mobility, and thermodynamic stability) indicates that this missense variant is not expected to disrupt ACTG1 protein function with a negative predictive value of 80%. In summary, the available evidence is currently insufficient to determine the role of this variant in disease. Therefore, it has been classified as a Variant of Uncertain Significance.

Center of Genomic medicine, Geneva, University Hospital of Geneva
Classification: Likely pathogenic for Autosomal dominant nonsyndromic hearing loss 20. Last evaluated: 2019-10-15. Review status: criteria provided, single submitter. Criteria: ACMG Guidelines, 2015. Collection method: clinical testing. Allele origin: de novo. Affected: yes. Observed: 1 variant allele.

Literature cited by the submitters: PubMed 34440452 (cited by Labcorp Genetics (formerly Invitae), Labcorp).